The following is an entry in ClinVar:

ClinVar aggregate classification (germline): Uncertain significance (1 of 4 stars; one submission).

Conditions:
Combined immunodeficiency due to ORAI1 deficiency. Also called: IMMUNODEFICIENCY 9. Identifiers: Orphanet 169090, Orphanet 317428, MedGen C2748568, MONDO:0013007, OMIM 612782.
Myopathy, tubular aggregate, 2 (TAM2). Identifiers: MedGen C4014557, MONDO:0014383, OMIM 615883.

Submission:

Labcorp Genetics (formerly Invitae), Labcorp
Classification: Uncertain significance for Myopathy, tubular aggregate, 2; Combined immunodeficiency due to ORAI1 deficiency. Last evaluated: 2020-03-04. Review status: criteria provided, single submitter. Criteria: Invitae Variant Classification Sherloc (09022015). Collection method: clinical testing. Allele origin: germline.
Comment: In summary, the available evidence is currently insufficient to determine the role of this variant in disease. Therefore, it has been classified as a Variant of Uncertain Significance. This variant, c.64_81dup, results in the insertion of 6 amino acid(s) to the ORAI1 protein (p.Ser22_Ser27dup), but otherwise preserves the integrity of the reading frame. The frequency data for this variant in the population databases is considered unreliable, as metrics indicate insufficient coverage at this position in the ExAC database. This variant has not been reported in the literature in individuals with ORAI1-related conditions. Experimental studies and prediction algorithms are not available or were not evaluated, and the functional significance of this variant is currently unknown.

NM_032790.4(ORAI1):c.64_81dup (p.Ser27_Arg28insSerThrThrSerGlySer)

Genes: ORAI1 (ORAI calcium release-activated calcium modulator 1; plus strand), LOC130008987 (ATAC-STARR-seq lymphoblastoid silent region 4981; plus strand). Cytogenetic location: 12q24.31.
Variant type: Duplication.
Coding change: c.64_81dup on transcript NM_032790.4 (MANE Select); coding-DNA positions 64 to 81, 18 bases duplicated (AGCACCACCAGCGGCAGC).
Protein change: p.Ser27_Arg28insSerThrThrSerGlySer.
Genome position (GRCh38, 1-based): chr12:121,626,806-121,626,823, AGCACCACCAGCGGCAGC duplicated; duplicating any 18 consecutive bases within chr12:121,626,804-121,626,823 gives the same sequence; the c. name uses the placement nearest the transcript's 3' end. VCF-style (leftmost placement, unchanged base first): chr12-121626803-G-GGCAGCACCACCAGCGGCA. GRCh37 (hg19) VCF-style: chr12-122064708-G-GGCAGCACCACCAGCGGCA.
Identifiers: ClinVar variation 1059594 (VCV001059594.7), dbSNP rs2136841403, ClinGen allele CA2499221473.
Genomic context (GRCh38, chr12:121,626,803, plus strand): 5'-ATGCATCCGGAGCCCGCCCCGCCCCCGAGCCGCAGCAGTCCCGAGCTTCCCCCAAGCGGC[G>GGCAGCACCACCAGCGGCA]GCAGCACCACCAGCGGCAGCCGCCGGAGCCGCCGCCGCAGCGGGGACGGGGAGCCCCCGG-3'